The following is an entry in ClinVar:

Single allele

Gene: TANGO2 (transport and golgi organization 2 homolog; plus strand). Cytogenetic location: 22q11.21.
Variant type: Deletion.
Identifiers: ClinVar variation 4056474 (VCV004056474.1).

ClinVar aggregate classification (germline): Pathogenic (1 of 4 stars; one submission).

Conditions:
Recurrent metabolic encephalomyopathic crises-rhabdomyolysis-cardiac arrhythmia-intellectual disability syndrome (MECRCN). Also called: Metabolic encephalomyopathic crises, recurrent, with rhabdomyolysis, cardiac arrhythmias, and neurodegeneration; METABOLIC CRISES, RECURRENT, WITH RHABDOMYOLYSIS, CARDIAC ARRHYTHMIAS, AND NEURODEGENERATION; TANGO2 Deficiency. Identifiers: Orphanet 480864, MedGen C5567524, MONDO:0018820, OMIM 616878.

Submission:

Broad Center for Mendelian Genomics, Broad Institute of MIT and Harvard
Classification: Pathogenic for Recurrent metabolic encephalomyopathic crises-rhabdomyolysis-cardiac arrhythmia-intellectual disability syndrome. Last evaluated: 2025-06-06. Review status: criteria provided, single submitter. Criteria: ACMG/ClinGen CNV Guidelines, 2019. Collection method: curation. Allele origin: unknown. Inheritance: Autosomal recessive inheritance.
Comment: The deletion of exons 4-6 in TANGO2 was identified in at least 3 individuals with rhabdomyolysis, cardiac arrhythmias, and metabolic derangements (MECRCN; PMID: 26805781, 31276219, 36473599), and segregated with disease in 2 family members from 2 unrelated families. This variant has been identified in 0.05% (2/4406) of South Asian chromosomes by the Genome Aggregation Database (gnomAD). Although this variant has been seen in the general population in a heterozygous state, its frequency is not high enough to rule out a pathogenic role. This variant has also been reported in ClinVar (VCV002500728.1, VCV000662837.2) and has been interpreted as pathogenic by Baylor Genetics and OMIM. Of the three affected individuals, at least 2 of those were homozygotes, and at least 1 was a compound heterozygote that carried a reported pathogenic variants in trans, which increases the likelihood that the deletion is pathogenic (VCV000985651.4; PMID: 26805781, 31276219, 36473599). This intragenic variant is predicted to cause a frameshift, which alters the protein’s amino acid sequence and leads to a premature termination codon. This alteration is then predicted to lead to a truncated or absent protein. Loss of function of TANGO2 is an established disease mechanism in autosomal recessive MECRCN. In summary, this variant meets criteria to be classified as pathogenic for autosomal recessive metabolic encephalomyopathic crises, recurrent, with rhabdomyolysis, cardiac arrhythmias, and neurodegeneration. The ACMG/ClinGen evidence codes and points used in this curation are as follows: 1A: 0 points, 2E: 0.30 points, 3A: 0 points, 4F: 0.75 points, 5G: 0 points; Total: 1.05 points; Riggs 2020 (PMID: 31690835).

Literature cited by the submitters: PubMed 26805781; PubMed 31276219; PubMed 36473599.